The following is an entry in ClinVar:

NM_000023.4(SGCA):c.956+2_956+19del

Gene: SGCA (sarcoglycan alpha; plus strand). Cytogenetic location: 17q21.33.
Variant type: Deletion.
Coding change: c.956+2_956+19del on transcript NM_000023.4 (MANE Select); the canonical splice donor site of the intron after coding-DNA position 956 through 19 bases into the intron after coding-DNA position 956, 18 bases deleted (TGAATGTGGGCATGAAGG).
Molecular consequence: splice donor variant. On other transcripts: intron variant (1).
Genome position (GRCh38, 1-based): chr17:50,170,353-50,170,370, TGAATGTGGGCATGAAGG deleted; deleting any 18 consecutive bases within chr17:50,170,348-50,170,370 gives the same sequence; the c. name uses the placement nearest the transcript's 3' end. VCF-style (leftmost placement, unchanged base first): chr17-50170347-GGAAGGTGAATGTGGGCAT-G. GRCh37 (hg19) VCF-style: chr17-48247708-GGAAGGTGAATGTGGGCAT-G.
Other names: c.956+2_956+19del (LRG_203t1); c.585-287_585-270del (NM_001135697.3).
Identifiers: ClinVar variation 554218 (VCV000554218.7), dbSNP rs1555569342, ClinGen allele CA658824855.
Genomic context (GRCh38, chr17:50,170,347, plus strand): 5'-CTGCTGGTGGCCCTGCTTCTCACCTTGCTGCTGGCCTATGTCATGTGCTGCCGGCGGGAG[GGAAGGTGAATGTGGGCAT>G]GAAGGGCGGGGGAGCACCTGCTGGAGCTCACACCCATGGGACTCACAGTGGCACTTGTGC-3'

ClinVar aggregate classification (germline): Likely pathogenic. Review status: criteria provided, multiple submitters, no conflicts (2 of 4 stars). 3 submissions from 3 submitters: Likely pathogenic (2). 1 of the submissions does not count toward it. Last evaluated 2023-08-21.

Conditions:
Autosomal recessive limb-girdle muscular dystrophy type 2D (LGMDR3). Also called: ADHALINOPATHY, PRIMARY; DUCHENNE-LIKE AUTOSOMAL RECESSIVE MUSCULAR DYSTROPHY, TYPE 2; MUSCULAR DYSTROPHY, LIMB-GIRDLE, AUTOSOMAL RECESSIVE 3. Identifiers: Orphanet 62, MedGen C2936332, MONDO:0011968, OMIM 608099. Disease mechanism: Affects gamma-sarcoglycan and also disrupts the integrity of the entire sarcoglycan complex..

Submissions (3):

Labcorp Genetics (formerly Invitae), Labcorp
Classification: Likely pathogenic for Autosomal recessive limb-girdle muscular dystrophy type 2D. Last evaluated: 2023-08-21. Review status: criteria provided, single submitter. Criteria: Invitae Variant Classification Sherloc (09022015). Collection method: clinical testing. Allele origin: germline.
Comment: This sequence change affects a splice site in intron 7 of the SGCA gene. It is expected to disrupt RNA splicing. Variants that disrupt the donor or acceptor splice site typically lead to a loss of protein function (PMID: 16199547), and loss-of-function variants in SGCA are known to be pathogenic (PMID: 9192266). This variant is not present in population databases (gnomAD no frequency). This variant has not been reported in the literature in individuals affected with SGCA-related conditions. ClinVar contains an entry for this variant (Variation ID: 554218). In summary, the currently available evidence indicates that the variant is pathogenic, but additional data are needed to prove that conclusively. Therefore, this variant has been classified as Likely Pathogenic.

Genome-Nilou Lab
Classification: Likely pathogenic for Autosomal recessive limb-girdle muscular dystrophy type 2D. Last evaluated: 2023-02-08. Review status: criteria provided, single submitter. Criteria: ACMG Guidelines, 2015. Collection method: clinical testing. Allele origin: germline.

Counsyl
Classification: Likely pathogenic for Autosomal recessive limb-girdle muscular dystrophy type 2D. Last evaluated: 2017-10-02. Review status: no assertion criteria provided. Collection method: clinical testing. Allele origin: unknown. Not counted in ClinVar's aggregate classification.

Literature cited by the submitters: PubMed 16199547 (cited by Labcorp Genetics (formerly Invitae), Labcorp); PubMed 9192266 (cited by Labcorp Genetics (formerly Invitae), Labcorp).